The following is an entry in ClinVar:

NM_005853.6(IRX5):c.22T>C (p.Leu8=)

Gene: IRX5 (iroquois homeobox 5; plus strand). Cytogenetic location: 16q12.2.
Variant type: single nucleotide variant.
Coding change: c.22T>C on transcript NM_005853.6 (MANE Select); coding-DNA position 22, T replaced by C.
Protein change: p.Leu8=; no amino-acid change (leucine 8 retained).
Molecular consequence: synonymous variant.
Genome position (GRCh38, 1-based): chr16:54,931,220, T>C. VCF-style: chr16-54931220-T-C. GRCh37 (hg19) VCF-style: chr16-54965132-T-C.
Other names: c.22T>C, p.Leu8= (NM_001252197.1).
Identifiers: ClinVar variation 3045690 (VCV003045690.2), dbSNP rs531728219, ClinGen allele CA8059082.

ClinVar aggregate classification (germline): Likely benign (0 of 4 stars; one submission).

Conditions:
IRX5-related disorder. Also called: IRX5-related condition.

Allele frequency attached by ClinVar (database versions not stated): TOPMed 0.00002; gnomAD 0.00012; gnomAD exomes 0.00017; ExAC 0.00035; 1000 Genomes Project 0.00060; 1000 Genomes Project 30x 0.00078.
gnomAD v4.1: 262 of 1,610,718 alleles (0.016%); highest among the groups gnomAD compares: South Asian, 0.27%; 2 homozygotes.

Submission:

PreventionGenetics, part of Exact Sciences
Classification: Likely benign for IRX5-related condition. Last evaluated: 2019-10-28. Review status: no assertion criteria provided. Collection method: clinical testing. Allele origin: germline.
Comment: This variant is classified as likely benign based on ACMG/AMP sequence variant interpretation guidelines (Richards et al. 2015 PMID: 25741868, with internal and published modifications).